The following is an entry in ClinVar:

NM_000057.4(BLM):c.1918A>G (p.Lys640Glu)

Gene: BLM (BLM RecQ like helicase; plus strand). Cytogenetic location: 15q26.1.
Variant type: single nucleotide variant.
Coding change: c.1918A>G on transcript NM_000057.4 (MANE Select); coding-DNA position 1918, A replaced by G.
Protein change: p.Lys640Glu; replaces lysine 640 with glutamic acid.
Molecular consequence: missense variant.
Genome position (GRCh38, 1-based): chr15:90,763,001, A>G. VCF-style: chr15-90763001-A-G. GRCh37 (hg19) VCF-style: chr15-91306231-A-G.
Other names: c.1918A>G, p.Lys640Glu (NM_001287246.2, NM_001287247.2); c.793A>G, p.Lys265Glu (NM_001287248.2); short protein forms K265E, K640E.
Identifiers: ClinVar variation 1717625 (VCV001717625.7), dbSNP rs2505434558, ClinGen allele CA393844136.

ClinVar aggregate classification (germline): Uncertain significance. Review status: criteria provided, multiple submitters, no conflicts (2 of 4 stars). 2 submissions from 2 submitters: Uncertain significance (2). Last evaluated 2024-02-11.

Conditions:
Hereditary cancer-predisposing syndrome. Also called: Hereditary neoplastic syndrome; Neoplastic Syndromes, Hereditary; Hereditary Cancer Syndrome; Tumor predisposition. Identifiers: Orphanet 140162, MedGen C0027672, MeSH D009386, MONDO:0015356.
Bloom syndrome (BLM). Also called: Bloom-Torre-Machacek syndrome. Identifiers: Orphanet 125, MedGen C0005859, MONDO:0008876, OMIM 210900.

Allele frequency attached by ClinVar (database versions not stated): gnomAD exomes below 0.00001.
gnomAD v4.1: 1 of 1,613,600 alleles (0.000062%); highest among the groups gnomAD compares: Non-Finnish European, 0.000085%; no homozygotes.

Submissions (2):

Ambry Genetics
Classification: Uncertain significance for Hereditary cancer-predisposing syndrome. Last evaluated: 2024-02-11. Review status: criteria provided, single submitter. Criteria: Ambry Variant Classification Scheme 2023. Collection method: clinical testing. Allele origin: germline.
Comment: The p.K640E variant (also known as c.1918A>G), located in coding exon 7 of the BLM gene, results from an A to G substitution at nucleotide position 1918. The lysine at codon 640 is replaced by glutamic acid, an amino acid with similar properties. This amino acid position is conserved. In addition, this alteration is predicted to be tolerated by in silico analysis. Based on the available evidence, the clinical significance of this alteration remains unclear.

Labcorp Genetics (formerly Invitae), Labcorp
Classification: Uncertain significance for Bloom syndrome. Last evaluated: 2022-08-22. Review status: criteria provided, single submitter. Criteria: Invitae Variant Classification Sherloc (09022015). Collection method: clinical testing. Allele origin: germline.
Comment: In summary, the available evidence is currently insufficient to determine the role of this variant in disease. Therefore, it has been classified as a Variant of Uncertain Significance. Algorithms developed to predict the effect of missense changes on protein structure and function output the following: SIFT: "Tolerated"; PolyPhen-2: "Benign"; Align-GVGD: "Class C0". The glutamic acid amino acid residue is found in multiple mammalian species, which suggests that this missense change does not adversely affect protein function. This variant has not been reported in the literature in individuals affected with BLM-related conditions. This variant is not present in population databases (gnomAD no frequency). This sequence change replaces lysine, which is basic and polar, with glutamic acid, which is acidic and polar, at codon 640 of the BLM protein (p.Lys640Glu).